The following is an entry in ClinVar:

NM_000256.3(MYBPC3):c.2310C>G (p.Asp770Glu)

Gene: MYBPC3 (myosin binding protein C3; minus strand). Cytogenetic location: 11p11.2.
Variant type: single nucleotide variant.
Coding change: c.2310C>G on transcript NM_000256.3 (MANE Select); coding-DNA position 2310, C replaced by G.
Protein change: p.Asp770Glu; replaces aspartic acid 770 with glutamic acid.
Molecular consequence: missense variant.
Genome position (GRCh38, 1-based): chr11:47,337,793, G>C on the plus strand (C>G on the coding strand, the complement: MYBPC3 is on the minus strand). VCF-style: chr11-47337793-G-C. GRCh37 (hg19) VCF-style: chr11-47359344-G-C.
Other names: short protein forms D770E.
Identifiers: ClinVar variation 3252285 (VCV003252285.2), dbSNP rs397515959.

ClinVar aggregate classification (germline): Uncertain significance (1 of 4 stars; one submission).

Submission:

GeneDx
Classification: Uncertain significance. Last evaluated: 2025-06-27. Review status: criteria provided, single submitter. Criteria: GeneDx Variant Classification Process June 2021. Collection method: clinical testing. Allele origin: germline.
Comment: Not observed at significant frequency in large population cohorts (gnomAD); In silico analysis supports that this missense variant has a deleterious effect on protein structure/function; Has not been previously published as pathogenic or benign to our knowledge